The following is an entry in ClinVar:

NM_000642.3(AGL):c.3084-5dup

Gene: AGL (amylo-alpha-1,6-glucosidase and 4-alpha-glucanotransferase; plus strand). Cytogenetic location: 1p21.2.
Variant type: Duplication.
Coding change: c.3084-5dup on transcript NM_000642.3 (MANE Select); 5 bases into the intron before coding-DNA position 3084, one base duplicated (T; older notation c.3084-5dupT).
Molecular consequence: intron variant.
Genome position (GRCh38, 1-based): chr1:99,892,427, T duplicated; the last of 2 consecutive T bases (chr1:99,892,426-99,892,427); duplicating either gives the same sequence. VCF-style (leftmost placement, unchanged base first): chr1-99892425-G-GT. GRCh37 (hg19) VCF-style: chr1-100357981-G-GT.
Other names: c.3084-5dup (NM_000028.3, NM_000643.3, NM_000644.3 and 1 more transcripts); c.3036-5dup (NM_000646.3); c.3063-5dup (NM_001425326.1); c.2883-5dup (NM_001425327.1); c.2880-5dup (NM_001425328.1); c.2745-5dup (NM_001425329.1); c.2706-5dup (NM_001425332.1).
Identifiers: ClinVar variation 1121378 (VCV001121378.11), dbSNP rs773212374, ClinGen allele CA966976.

ClinVar aggregate classification (germline): Likely benign. Review status: criteria provided, single submitter (1 of 4 stars). 2 submissions from 2 submitters: Likely benign (1). 1 of the submissions does not count toward it. Last evaluated 2026-01-05.

Conditions:
AGL-related disorder. Also called: AGL-related condition.
Glycogen storage disease type III (GSD3). Also called: Cori disease; FORBES DISEASE. Identifiers: Orphanet 366, MedGen C0017922, MONDO:0009291, OMIM 232400.

Submissions (2):

Labcorp Genetics (formerly Invitae), Labcorp
Classification: Likely benign for Glycogen storage disease type III. Last evaluated: 2026-01-05. Review status: criteria provided, single submitter. Criteria: Invitae Variant Classification Sherloc (09022015). Collection method: clinical testing. Allele origin: germline.

PreventionGenetics, part of Exact Sciences
Classification: Likely benign for AGL-related condition. Last evaluated: 2020-04-27. Review status: no assertion criteria provided. Collection method: clinical testing. Allele origin: germline. Not counted in ClinVar's aggregate classification.
Comment: This variant is classified as likely benign based on ACMG/AMP sequence variant interpretation guidelines (Richards et al. 2015 PMID: 25741868, with internal and published modifications).